The following is an entry in ClinVar:

NM_170606.3(KMT2C):c.5192T>C (p.Ile1731Thr)

Gene: KMT2C (lysine methyltransferase 2C; minus strand). Cytogenetic location: 7q36.1.
Variant type: single nucleotide variant.
Coding change: c.5192T>C on transcript NM_170606.3 (MANE Select); coding-DNA position 5192, T replaced by C.
Protein change: p.Ile1731Thr; replaces isoleucine 1731 with threonine.
Molecular consequence: missense variant.
Genome position (GRCh38, 1-based): chr7:152,183,047, A>G on the plus strand (T>C on the coding strand, the complement: KMT2C is on the minus strand). VCF-style: chr7-152183047-A-G. GRCh37 (hg19) VCF-style: chr7-151880132-A-G.
Other names: c.5192T>C (NM_170606.2); short protein forms I1731T.
Identifiers: ClinVar variation 3765862 (VCV003765862.2).

ClinVar aggregate classification (germline): Uncertain significance. Review status: criteria provided, multiple submitters, no conflicts (2 of 4 stars). 2 submissions from 2 submitters: Uncertain significance (2). Last evaluated 2026-02-04.

Submissions (2):

GeneDx
Classification: Uncertain significance. Last evaluated: 2026-02-04. Review status: criteria provided, single submitter. Criteria: GeneDx Variant Classification Process June 2021. Collection method: clinical testing. Allele origin: germline.
Comment: Not observed at significant frequency in large population cohorts (gnomAD); In silico analysis suggests that this missense variant does not alter protein structure/function; Has not been previously published as pathogenic or benign to our knowledge

Greenwood Genetic Center Diagnostic Laboratories, Greenwood Genetic Center
Classification: Uncertain significance. Last evaluated: 2024-07-23. Review status: criteria provided, single submitter. Criteria: ACMG Guidelines, 2015. Collection method: clinical testing. Allele origin: germline. Affected: yes.
Comment: PM2, BP4, PP2